The following is an entry in ClinVar:

ClinVar aggregate classification (germline): Conflicting classifications of pathogenicity. Review status: criteria provided, conflicting classifications (1 of 4 stars). 4 submissions from 4 submitters: Uncertain significance (1); Likely benign (3). Last evaluated 2026-02-02.

Conditions:
Hereditary cancer-predisposing syndrome. Also called: Neoplastic Syndromes, Hereditary; Tumor predisposition; Hereditary neoplastic syndrome; Hereditary Cancer Syndrome. Identifiers: Orphanet 140162, MedGen C0027672, MeSH D009386, MONDO:0015356.
MSH3-related disorder. Also called: MSH3-related condition.

Allele frequency attached by ClinVar (database versions not stated): gnomAD 0.00008 and 0.00007; TOPMed 0.00010; gnomAD exomes below 0.00001 and 0.00002; ExAC 0.00002; ESP Exome Variant Server 0.00008.
gnomAD v4.1: 23 of 1,612,886 alleles (0.0014%); highest among the groups gnomAD compares: African/African-American, 0.017%; no homozygotes.

Submissions (4):

Labcorp Genetics (formerly Invitae), Labcorp
Classification: Likely benign. Last evaluated: 2026-02-02. Review status: criteria provided, single submitter. Criteria: Invitae Variant Classification Sherloc (09022015). Collection method: clinical testing. Allele origin: germline.

PreventionGenetics, part of Exact Sciences
Classification: Likely benign for MSH3-related condition. Last evaluated: 2025-06-23. Review status: criteria provided, single submitter. Criteria: ACMG Guidelines, 2015. Collection method: clinical testing. Allele origin: germline.
Comment: This variant is classified as likely benign based on ACMG/AMP sequence variant interpretation guidelines (Richards et al. 2015 PMID: 25741868, with internal and published modifications).

Sema4
Classification: Uncertain significance for Hereditary cancer-predisposing syndrome. Last evaluated: 2022-02-15. Review status: criteria provided, single submitter. Criteria: Sema4 Curation Guidelines. Collection method: curation. Allele origin: germline.
Comment: The MSH3 c.2229A>G (p.Q743=) variant has not been reported in the literature to our knowledge. It was observed in 5/24896 chromosomes of the African/African American subpopulation in the large and broad cohorts of the Genome Aggregation Database (PMID: 32461654). The variant has been reported in ClinVar (Variation ID 650320). In silico tools suggest that the variant may create or strengthen a donor splice site, though these predictions have not been confirmed by functional studies. The evidence is insufficient to meet ACMG/AMP criteria for classifying the variant as benign or pathogenic. Thus, the clinical significance of this variant is currently uncertain.

Ambry Genetics
Classification: Likely benign for Hereditary cancer-predisposing syndrome. Last evaluated: 2020-02-14. Review status: criteria provided, single submitter. Criteria: Ambry Variant Classification Scheme 2023. Collection method: clinical testing. Allele origin: germline.

NM_002439.5(MSH3):c.2229A>G (p.Gln743=)

Gene: MSH3 (mutS homolog 3; plus strand). Cytogenetic location: 5q14.1.
Variant type: single nucleotide variant.
Coding change: c.2229A>G on transcript NM_002439.5 (MANE Select); coding-DNA position 2229, A replaced by G.
Protein change: p.Gln743=; no amino-acid change (glutamine 743 retained).
Molecular consequence: synonymous variant.
Genome position (GRCh38, 1-based): chr5:80,768,979, A>G. VCF-style: chr5-80768979-A-G. GRCh37 (hg19) VCF-style: chr5-80064798-A-G.
Identifiers: ClinVar variation 650320 (VCV000650320.13), dbSNP rs142338243, ClinGen allele CA3328166.